The following is an entry in ClinVar:

ClinVar aggregate classification (germline): Conflicting classifications of pathogenicity. Review status: criteria provided, conflicting classifications (1 of 4 stars). 4 submissions from 3 submitters: Uncertain significance (3); Likely benign (1). Last evaluated 2026-01-19.

Conditions:
Lethal multiple pterygium syndrome (LMPS). Identifiers: Orphanet 33108, MedGen C1854678, MONDO:0009668, OMIM 253290.
Autosomal recessive multiple pterygium syndrome. Also called: MULTIPLE PTERYGIUM SYNDROME, ESCOBAR VARIANT; PTERYGIUM COLLI SYNDROME; PTERYGIUM SYNDROME; PTERYGIUM UNIVERSALE. Identifiers: Orphanet 2990, MedGen C0265261, MONDO:0009926, OMIM 265000.

Allele frequency attached by ClinVar (database versions not stated): gnomAD 0.00007 and 0.00011; TOPMed 0.00009; gnomAD exomes 0.00014 and 0.00017; ExAC 0.00018; 1000 Genomes Project 30x 0.00062; 1000 Genomes Project 0.00080.

Submissions (4):

Labcorp Genetics (formerly Invitae), Labcorp
Classification: Likely benign. Last evaluated: 2026-01-19. Review status: criteria provided, single submitter. Criteria: Invitae Variant Classification Sherloc (09022015). Collection method: clinical testing. Allele origin: germline.

Illumina Laboratory Services, Illumina
Classification: Uncertain significance for Lethal multiple pterygium syndrome. Last evaluated: 2018-01-13. Review status: criteria provided, single submitter. Criteria: ICSL Variant Classification Criteria 13 December 2019. Collection method: clinical testing. Allele origin: germline.

Illumina Laboratory Services, Illumina
Classification: Uncertain significance for Autosomal recessive multiple pterygium syndrome. Last evaluated: 2018-01-13. Review status: criteria provided, single submitter. Criteria: ICSL Variant Classification Criteria 13 December 2019. Collection method: clinical testing. Allele origin: germline.

GeneDx
Classification: Uncertain significance. Last evaluated: 2017-03-20. Review status: criteria provided, single submitter. Criteria: GeneDx Variant Classification (06012015). Collection method: clinical testing. Allele origin: germline. Affected: yes.
Comment: The A44T variant in the CHRNG gene has not been reported previously as a pathogenic variant, nor as a benign variant, to our knowledge. This variant is observed in 21/8648 (0.24%) alleles from individuals of East Asian background in the ExAC dataset (Lek et al., 2016; 1000 Genomes Consortium et al., 2015; Exome Variant Server). The A44T variant is a non-conservative amino acid substitution, which is likely to impact secondary protein structure as these residues differ in polarity, charge, size and/or other properties. This substitution occurs at a position that is conserved across species. In silico analysis is inconsistent in its predictions as to whether or not the variant is damaging to the protein structure/function. We interpret A44T as a variant of uncertain significance.

NM_005199.5(CHRNG):c.130G>A (p.Ala44Thr)

Gene: CHRNG (cholinergic receptor nicotinic gamma subunit; plus strand). Cytogenetic location: 2q37.1.
Variant type: single nucleotide variant.
Coding change: c.130G>A on transcript NM_005199.5 (MANE Select); coding-DNA position 130, G replaced by A.
Protein change: p.Ala44Thr; replaces alanine 44 with threonine.
Molecular consequence: missense variant.
Genome position (GRCh38, 1-based): chr2:232,540,066, G>A. VCF-style: chr2-232540066-G-A. GRCh37 (hg19) VCF-style: chr2-233404776-G-A.
Other names: short protein forms A44T.
Identifiers: ClinVar variation 423846 (VCV000423846.9), dbSNP rs186589083, ClinGen allele CA2168512.
Genomic context (GRCh38, chr2:232,540,066, plus strand): 5'-AACCAGGAGGAGCGCCTGCTCGCAGACCTGATGCAAAACTACGACCCCAACCTGCGGCCC[G>A]CGGAACGAGACTCGGATGTGGTCAATGTCAGCCTGAAGCTAACCCTCACCAACCTCATCT-3'
Protein context (NP_005190.4, residues 34-54): MQNYDPNLRP[Ala44Thr]ERDSDVVNVS